The following is an entry in ClinVar:

ClinVar aggregate classification (germline): Benign. Review status: reviewed by expert panel (3 of 4 stars). 3 submissions from 3 submitters: Benign (1). 2 of the submissions do not count toward it. Last evaluated 2016-09-28.

Conditions:
BRCA1-related disorder. Also called: BRCA1-related condition.
Breast-ovarian cancer, familial, susceptibility to, 1 (BROVCA1). Also called: BRCA1 Hereditary Breast and Ovarian Cancer; OVARIAN CANCER, SUSCEPTIBILITY TO. Identifiers: Orphanet 145, MedGen C2676676, MONDO:0011450, OMIM 604370. Disease mechanism: loss of function.

Allele frequency attached by ClinVar (database versions not stated): gnomAD 0.00006 and 0.00075; TOPMed 0.00017; 1000 Genomes Project 0.00359; 1000 Genomes Project 30x 0.00390.
gnomAD v4.1: 112 of 152,324 alleles (0.074%); highest among the groups gnomAD compares: South Asian, 2.2%; 4 homozygotes.

Submissions (3):

Evidence-based Network for the Interpretation of Germline Mutant Alleles (ENIGMA)
Classification: Benign for Breast-ovarian cancer, familial, susceptibility to, 1. Last evaluated: 2016-09-28. Review status: reviewed by expert panel. Criteria: ENIGMA BRCA1/2 Classification Criteria (2015). Collection method: curation. Allele origin: germline.
Comment: Class 1 not pathogenic based on frequency >1% in an outbred sampleset. Frequency 0.0184 (South Asian), derived from 1000 genomes (2013-05-02).

Blueprint Genetics
Classification: Likely benign. Last evaluated: 2024-10-28. Review status: criteria provided, single submitter. Criteria: ACMG Guidelines, 2015. Collection method: clinical testing. Allele origin: germline. Not counted in ClinVar's aggregate classification.

PreventionGenetics, part of Exact Sciences
Classification: Likely benign for BRCA1-related condition. Last evaluated: 2023-06-30. Review status: no assertion criteria provided. Collection method: clinical testing. Allele origin: germline. Not counted in ClinVar's aggregate classification.
Comment: This variant is classified as likely benign based on ACMG/AMP sequence variant interpretation guidelines (Richards et al. 2015 PMID: 25741868, with internal and published modifications).

NM_007294.4(BRCA1):c.5277+2938T>C

Gene: BRCA1 (BRCA1 DNA repair associated; minus strand). Cytogenetic location: 17q21.31.
Variant type: single nucleotide variant.
Coding change: c.5277+2938T>C on transcript NM_007294.4 (MANE Select); 2938 bases into the intron after coding-DNA position 5277, T replaced by C.
Molecular consequence: intron variant.
Genome position (GRCh38, 1-based): chr17:43,054,114, A>G on the plus strand (T>C on the coding strand, the complement: BRCA1 is on the minus strand). VCF-style: chr17-43054114-A-G. GRCh37 (hg19) VCF-style: chr17-41206131-A-G.
Other names: c.1824+2938T>C (NM_001408458.1, NM_001408461.1, NM_001408464.1 and 7 more transcripts); c.4386+2938T>C (NM_001407967.1); c.4896+2938T>C (NM_001407959.1); c.5010+2938T>C (NM_001407931.1, NM_001407932.1, NM_001407928.1 and 4 more transcripts); c.5133+2938T>C (NM_001407747.1, NM_001407745.1, NM_001407737.1 and 21 more transcripts); c.4893+2938T>C (NM_001407962.1, NM_001407960.1); c.1464+2938T>C (NM_001408512.1); c.1587+2938T>C (NM_001408510.1); and 72 more.
Identifiers: ClinVar variation 264859 (VCV000264859.5), dbSNP rs8176288, ClinGen allele CA10588188.
Genomic context (GRCh38, chr17:43,054,114, plus strand): 5'-TTTTCAGAATGTCATTACTTTGACCACATACTTTCCATCATTGCTATTCTGCATGGAGGA[A>G]AAAATCCAAAGCACTAGAATTTCTTTTTAAAGAGGGGAAGAATCTGGTGCTAATACTGCC-3'